The following is an entry in ClinVar:

NM_145046.5(CALR3):c.679-3dup

Gene: CALR3 (calreticulin 3; minus strand). Cytogenetic location: 19p13.11.
Variant type: Duplication.
Coding change: c.679-3dup on transcript NM_145046.5 (MANE Select); 3 bases into the intron before coding-DNA position 679, one base duplicated (A; older notation c.679-3dupA).
Molecular consequence: splice acceptor variant.
Genome position (GRCh38, 1-based): chr19:16,482,787, T duplicated on the plus strand (A on the coding strand, the reverse complement: CALR3 is on the minus strand); the first of 2 consecutive T bases (chr19:16,482,787-16,482,788); duplicating either gives the same sequence. VCF-style (leftmost placement, unchanged base first): chr19-16482786-C-CT. GRCh37 (hg19) VCF-style: chr19-16593597-C-CT.
Identifiers: ClinVar variation 691735 (VCV000691735.3), dbSNP rs756560192, ClinGen allele CA9278312.
Genomic context (GRCh38, chr19:16,482,786, plus strand): 5'-GTCACCGTTCCAGTCGCTCTGCTTGCTGGTGCTGGCGTCCAGAAAATGCTTCTCCCAGTC[C>CT]TTCAAAGACATGTAAGGAAAAAGTAAAATCAGTCAGATGCTCATATATTTGTTGTTGTTG-3'

ClinVar aggregate classification (germline): Conflicting classifications of pathogenicity. Review status: criteria provided, conflicting classifications (1 of 4 stars). 2 submissions from 2 submitters: Uncertain significance (1); Likely benign (1). Last evaluated 2025-12-02.

Conditions:
Cardiomyopathy (CMYO). Also called: Cardiomyopathies. Identifiers: Orphanet 167848, MedGen C0878544, MONDO:0004994, HP:0001638. Inheritance: Various modes of inheritance.
Hypertrophic cardiomyopathy 19. Also called: Familial hypertrophic cardiomyopathy 19. Identifiers: MedGen CN077603, MONDO:0013476.

Submissions (2):

Labcorp Genetics (formerly Invitae), Labcorp
Classification: Uncertain significance for Hypertrophic cardiomyopathy 19. Last evaluated: 2025-12-02. Review status: criteria provided, single submitter. Criteria: Invitae Variant Classification Sherloc (09022015). Collection method: clinical testing. Allele origin: germline.
Comment: This sequence change falls in intron 5 of the CALR3 gene. It does not directly change the encoded amino acid sequence of the CALR3 protein. This variant is present in population databases (rs756560192, gnomAD 0.01%). This variant has not been reported in the literature in individuals affected with CALR3-related conditions. ClinVar contains an entry for this variant (Variation ID: 691735). Experimental studies and prediction algorithms are not available or were not evaluated, and the effect of this variant on mRNA splicing is currently unknown. In summary, the available evidence is currently insufficient to determine the role of this variant in disease. Therefore, it has been classified as a Variant of Uncertain Significance.

Center for Advanced Laboratory Medicine, UC San Diego Health, University of California San Diego
Classification: Likely benign for Cardiomyopathy. Last evaluated: 2019-01-24. Review status: criteria provided, single submitter. Criteria: ACMG Guidelines, 2015. Collection method: clinical testing. Allele origin: germline. Affected: yes. Observed: 1 variant allele.